The following is an entry in ClinVar:

NM_001195305.3(BBIP1):c.140C>T (p.Thr47Ile)

Gene: BBIP1 (BBSome interacting protein 1; minus strand). Cytogenetic location: 10q25.2.
Variant type: single nucleotide variant.
Coding change: c.140C>T on transcript NM_001195305.3 (MANE Select); coding-DNA position 140, C replaced by T.
Protein change: p.Thr47Ile; replaces threonine 47 with isoleucine.
Molecular consequence: missense variant. On other transcripts: synonymous variant (1).
Genome position (GRCh38, 1-based): chr10:110,900,499, G>A on the plus strand (C>T on the coding strand, the complement: BBIP1 is on the minus strand). VCF-style: chr10-110900499-G-A. GRCh37 (hg19) VCF-style: chr10-112660257-G-A.
Other names: c.297C>T, p.Asp99= (NM_001195304.2); c.140C>T, p.Thr47Ile (NM_001195306.2); c.65C>T, p.Thr22Ile (NM_001195307.2); c.74C>T, p.Thr25Ile (NM_001243783.3); short protein forms T25I, T47I, T22I.
Identifiers: ClinVar variation 4993505 (VCV004993505.1).

ClinVar aggregate classification (germline): Uncertain significance (1 of 4 stars; one submission).

Conditions:
BBIP1-related disorder. Also called: BBIP1-related condition.

Submission:

PreventionGenetics, part of Exact Sciences
Classification: Uncertain significance for BBIP1-related condition. Last evaluated: 2026-04-04. Review status: criteria provided, single submitter. Criteria: ACMG Guidelines, 2015. Collection method: clinical testing. Allele origin: germline.
Comment: The BBIP1 c.140C>T variant is predicted to result in the amino acid substitution p.Thr47Ile. To our knowledge, this variant has not been reported in the literature or in a large population database (gnomAD), indicating this variant is rare. At this time, the clinical significance of this variant is uncertain due to the absence of conclusive functional and genetic evidence.